The following is an entry in ClinVar:

ClinVar aggregate classification (germline): Uncertain significance. Review status: criteria provided, multiple submitters, no conflicts (2 of 4 stars). 2 submissions from 2 submitters: Uncertain significance (2). Last evaluated 2022-05-20.

Allele frequency attached by ClinVar (database versions not stated): gnomAD exomes 0.00001.
gnomAD v4.1: 14 of 1,570,492 alleles (0.00089%); highest among the groups gnomAD compares: Non-Finnish European, 0.0012%; no homozygotes.

Submissions (2):

Labcorp Genetics (formerly Invitae), Labcorp
Classification: Uncertain significance. Last evaluated: 2022-05-20. Review status: criteria provided, single submitter. Criteria: Invitae Variant Classification Sherloc (09022015). Collection method: clinical testing. Allele origin: germline.
Comment: In summary, the available evidence is currently insufficient to determine the role of this variant in disease. Therefore, it has been classified as a Variant of Uncertain Significance. Algorithms developed to predict the effect of missense changes on protein structure and function are either unavailable or do not agree on the potential impact of this missense change (SIFT: "Not Available"; PolyPhen-2: "Possibly Damaging"; Align-GVGD: "Not Available"). This variant has not been reported in the literature in individuals affected with POC5-related conditions. This variant is not present in population databases (gnomAD no frequency). This sequence change replaces isoleucine, which is neutral and non-polar, with valine, which is neutral and non-polar, at codon 337 of the POC5 protein (p.Ile337Val).

Ambry Genetics
Classification: Uncertain significance. Last evaluated: 2021-12-06. Review status: criteria provided, single submitter. Criteria: Ambry Variant Classification Scheme 2023. Collection method: clinical testing. Allele origin: germline.

NM_001099271.2(POC5):c.1009A>G (p.Ile337Val)

Gene: POC5 (POC5 centriolar protein; minus strand). Cytogenetic location: 5q13.3.
Variant type: single nucleotide variant.
Coding change: c.1009A>G on transcript NM_001099271.2 (MANE Select); coding-DNA position 1009, A replaced by G.
Protein change: p.Ile337Val; replaces isoleucine 337 with valine.
Molecular consequence: missense variant.
Genome position (GRCh38, 1-based): chr5:75,689,132, T>C on the plus strand (A>G on the coding strand, the complement: POC5 is on the minus strand). VCF-style: chr5-75689132-T-C. GRCh37 (hg19) VCF-style: chr5-74984957-T-C.
Other names: c.934A>G, p.Ile312Val (NM_152408.3); short protein forms I312V, I337V.
Identifiers: ClinVar variation 1944214 (VCV001944214.6), dbSNP rs763742465, ClinGen allele CA3310419.